The following is an entry in ClinVar:

ClinVar aggregate classification (germline): Pathogenic (1 of 4 stars; one submission).

Submission:

Labcorp Genetics (formerly Invitae), Labcorp
Classification: Pathogenic. Last evaluated: 2023-10-04. Review status: criteria provided, single submitter. Criteria: Invitae Variant Classification Sherloc (09022015). Collection method: clinical testing. Allele origin: germline.
Comment: This sequence change creates a premature translational stop signal (p.Lys1422Alafs*54) in the ALPK3 gene. It is expected to result in an absent or disrupted protein product. Loss-of-function variants in ALPK3 are known to be pathogenic (PMID: 21441111, 26846950, 27106955, 34263907). This variant is not present in population databases (gnomAD no frequency). This variant has not been reported in the literature in individuals affected with ALPK3-related conditions. For these reasons, this variant has been classified as Pathogenic.

Literature cited by the submitters: PubMed 21441111; PubMed 26846950; PubMed 27106955; PubMed 34263907.

NM_020778.5(ALPK3):c.3652_3656dup (p.Lys1220fs)

Gene: ALPK3 (alpha kinase 3; plus strand). Cytogenetic location: 15q25.3.
Variant type: Duplication.
Coding change: c.3652_3656dup on transcript NM_020778.5 (MANE Select); coding-DNA positions 3652 to 3656, 5 bases duplicated (GGCAG; older notation c.3652_3656dupGGCAG).
Protein change: p.Lys1220fs; shifts the reading frame from lysine 1220.
Molecular consequence: frameshift variant.
Genome position (GRCh38, 1-based): chr15:84,858,390-84,858,394, GGCAG duplicated; duplicating any 5 consecutive bases within chr15:84,858,386-84,858,394 gives the same sequence; the c. name uses the placement nearest the transcript's 3' end. VCF-style (leftmost placement, unchanged base first): chr15-84858385-C-CGCAGG. GRCh37 (hg19) VCF-style: chr15-85401616-C-CGCAGG.
Other names: short protein forms K1220fs.
Identifiers: ClinVar variation 2765473 (VCV002765473.3), dbSNP rs2505722565, ClinGen allele CA2697549277.